The following is an entry in ClinVar:

ClinVar aggregate classification (germline): Benign/Likely benign. Review status: criteria provided, multiple submitters, no conflicts (2 of 4 stars). 7 submissions from 7 submitters: Benign (6); Likely benign (1). Last evaluated 2026-02-01.

Conditions:
Cardiovascular phenotype. Identifiers: MedGen CN230736.
Catecholaminergic polymorphic ventricular tachycardia 5 (CARDAR). Also called: Ventricular tachycardia, catecholaminergic polymorphic, 5, with or without muscle weakness; CARDIAC ARRHYTHMIA SYNDROME, WITH OR WITHOUT SKELETAL MUSCLE WEAKNESS. Identifiers: Orphanet 3286, MedGen C3809536, MONDO:0014191, OMIM 615441.
Catecholaminergic polymorphic ventricular tachycardia 1. Also called: VENTRICULAR TACHYCARDIA, STRESS-INDUCED POLYMORPHIC 1; VENTRICULAR TACHYCARDIA, CATECHOLAMINERGIC POLYMORPHIC, 1, WITH OR WITHOUT ATRIAL DYSFUNCTION AND/OR DILATED CARDIOMYOPATHY; RYR2-Related Catecholaminergic Polymorphic Ventricular Tachycardia. Identifiers: Orphanet 3286, MedGen C1631597, MONDO:0011484, OMIM 604772.

Allele frequency attached by ClinVar (database versions not stated): ExAC 0.00353; gnomAD 0.00670 and 0.00711; gnomAD exomes 0.00155; ESP Exome Variant Server 0.00717; TOPMed 0.00765; 1000 Genomes Project 30x 0.00953; 1000 Genomes Project 0.00958.
gnomAD v4.1: 1,891 of 1,555,512 alleles (0.12%); highest among the groups gnomAD compares: African/African-American, 2.3%; 28 homozygotes.

Submissions (7):

Labcorp Genetics (formerly Invitae), Labcorp
Classification: Benign for Catecholaminergic polymorphic ventricular tachycardia 1. Last evaluated: 2026-02-01. Review status: criteria provided, single submitter. Criteria: Invitae Variant Classification Sherloc (09022015). Collection method: clinical testing. Allele origin: germline.

Molecular Diagnostic Laboratory for Inherited Cardiovascular Disease, Montreal Heart Institute
Classification: Benign. Last evaluated: 2025-04-09. Review status: criteria provided, single submitter. Criteria: ACMG Guidelines, 2015. Collection method: clinical testing. Allele origin: germline. Affected: no.
Comment: BS1;BP4;BP5

ARUP Laboratories, Molecular Genetics and Genomics, ARUP Laboratories
Classification: Benign for Catecholaminergic polymorphic ventricular tachycardia 5. Last evaluated: 2025-04-02. Review status: criteria provided, single submitter. Criteria: ARUP Molecular Germline Variant Investigation Process 2024. Collection method: clinical testing. Allele origin: germline.

Women's Health and Genetics/Laboratory Corporation of America, LabCorp
Classification: Likely benign. Last evaluated: 2024-05-20. Review status: criteria provided, single submitter. Criteria: LabCorp Variant Classification Summary - May 2015. Collection method: clinical testing. Allele origin: germline.
Comment: Variant summary: TRDN c.274G>A (p.Val92Ile) results in a conservative amino acid change in the encoded protein sequence. Five of five in-silico tools predict a benign effect of the variant on protein function. The variant allele was found at a frequency of 0.0016 in 186128 control chromosomes, predominantly at a frequency of 0.023 within the African or African-American subpopulation in the gnomAD database, including 5 homozygotes. The observed variant frequency within African or African-American control individuals in the gnomAD database is approximately 15 fold of the estimated maximal expected allele frequency for a pathogenic variant in TRDN causing Catecholaminergic Polymorphic Ventricular Tachycardia phenotype (0.0016), strongly suggesting that the variant is a benign polymorphism found primarily in populations of African or African-American origin. To our knowledge, no occurrence of c.274G>A in individuals affected with Catecholaminergic Polymorphic Ventricular Tachycardia and no experimental evidence demonstrating its impact on protein function have been reported. ClinVar contains an entry for this variant (Variation ID: 227118). Based on the evidence outlined above, the variant was classified as likely benign.

GeneDx
Classification: Benign. Last evaluated: 2016-11-29. Review status: criteria provided, single submitter. Criteria: GeneDx Variant Classification (06012015). Collection method: clinical testing. Allele origin: germline. Affected: yes.
Comment: This variant is considered likely benign or benign based on one or more of the following criteria: it is a conservative change, it occurs at a poorly conserved position in the protein, it is predicted to be benign by multiple in silico algorithms, and/or has population frequency not consistent with disease.

Ambry Genetics
Classification: Benign for Cardiovascular phenotype. Last evaluated: 2015-07-27. Review status: criteria provided, single submitter. Criteria: Ambry Variant Classification Scheme 2023. Collection method: clinical testing. Allele origin: germline.

Laboratory for Molecular Medicine, Mass General Brigham Personalized Medicine
Classification: Benign. Last evaluated: 2014-11-24. Review status: criteria provided, single submitter. Criteria: LMM Criteria. Collection method: clinical testing. Allele origin: germline. Observed: 4 variant alleles.
Comment: Val92Ile in exon 3 of TRDN: This variant is not expected to have clinical signif icance because it has been identified in 2.3% (84/3676) of African American chro mosomes from a broad population by the NHLBI Exome Sequencing Project (s.; dbSNP rs34808221).

NM_006073.4(TRDN):c.274G>A (p.Val92Ile)

Gene: TRDN (triadin; minus strand). Cytogenetic location: 6q22.31.
Variant type: single nucleotide variant.
Coding change: c.274G>A on transcript NM_006073.4 (MANE Select); coding-DNA position 274, G replaced by A.
Protein change: p.Val92Ile; replaces valine 92 with isoleucine.
Molecular consequence: missense variant.
Genome position (GRCh38, 1-based): chr6:123,548,571, C>T on the plus strand (G>A on the coding strand, the complement: TRDN is on the minus strand). VCF-style: chr6-123548571-C-T. GRCh37 (hg19) VCF-style: chr6-123869716-C-T.
Other names: c.274G>A, p.Val92Ile (NM_001251987.2, NM_001256020.2, NM_001256021.2 and 1 more transcripts); short protein forms V92I.
Identifiers: ClinVar variation 227118 (VCV000227118.24), dbSNP rs34808221, ClinGen allele CA3984424.